The following is an entry in ClinVar:

NM_000455.5(STK11):c.870T>G (p.Leu290=)

Gene: STK11 (serine/threonine kinase 11; plus strand). Cytogenetic location: 19p13.3.
Variant type: single nucleotide variant.
Coding change: c.870T>G on transcript NM_000455.5 (MANE Select); coding-DNA position 870, T replaced by G.
Protein change: p.Leu290=; no amino-acid change (leucine 290 retained).
Molecular consequence: synonymous variant.
Genome position (GRCh38, 1-based): chr19:1,221,956, T>G. VCF-style: chr19-1221956-T-G. GRCh37 (hg19) VCF-style: chr19-1221955-T-G.
Identifiers: ClinVar variation 232891 (VCV000232891.13), dbSNP rs876660056, ClinGen allele CA10581011.
Genomic context (GRCh38, chr19:1,221,956, plus strand): 5'-TGGGGTCTCAGGCCTGTGCCCAGCTGACAGGCTCCTCGCCGGCTTCTCCTCAGGGATGCT[T>G]GAGTACGAACCGGCCAAGAGGTTCTCCATCCGGCAGATCCGGCAGCACAGGTGAGCGGCC-3'
Protein context (NP_000446.1, residues 280-300): PPLSDLLKGM[Leu290=]EYEPAKRFSI

ClinVar aggregate classification (germline): Benign/Likely benign. Review status: criteria provided, multiple submitters, no conflicts (2 of 4 stars). 5 submissions from 5 submitters: Benign (1); Likely benign (4). Last evaluated 2025-03-27.

Conditions:
Hereditary cancer-predisposing syndrome. Also called: Hereditary Cancer Syndrome; Neoplastic Syndromes, Hereditary; Tumor predisposition; Hereditary neoplastic syndrome. Identifiers: Orphanet 140162, MedGen C0027672, MeSH D009386, MONDO:0015356.
Peutz-Jeghers syndrome (PJS). Also called: POLYPOSIS, HAMARTOMATOUS INTESTINAL; POLYPS-AND-SPOTS SYNDROME; Peutz-Jeghers polyposis; Periorificial lentiginosis syndrome. Identifiers: Orphanet 2869, MedGen C0031269, MeSH D010580, MONDO:0008280, OMIM 175200.

Allele frequency attached by ClinVar (database versions not stated): gnomAD exomes below 0.00001.
gnomAD v4.1: 1 of 1,560,016 alleles (0.000064%); highest among the groups gnomAD compares: Non-Finnish European, 0.000087%; no homozygotes.

Submissions (5):

Myriad Genetics, Inc.
Classification: Benign for Peutz-Jeghers syndrome. Last evaluated: 2025-03-27. Review status: criteria provided, single submitter. Criteria: Myriad Autosomal Dominant, Autosomal Recessive and X-Linked Classification Criteria (2023). Collection method: clinical testing. Allele origin: unknown.
Comment: This variant is considered benign. This variant is a silent/synonymous amino acid change and it is not expected to impact splicing.

All of Us Research Program, National Institutes of Health
Classification: Likely benign for Peutz-Jeghers syndrome. Last evaluated: 2023-11-30. Review status: criteria provided, single submitter. Criteria: ACMG Guidelines, 2015. Collection method: clinical testing. Allele origin: germline. Inheritance: Autosomal dominant inheritance. Observed: 1 variant allele, 1 heterozygote.
Comment: This study involves interpretation of variants in research participants for the purpose of population health screening. Participant phenotype was not available at the time of variant classification. Additional details can be found in publication PMID: 35346344, PMCID: PMC8962531

Labcorp Genetics (formerly Invitae), Labcorp
Classification: Likely benign for Peutz-Jeghers syndrome. Last evaluated: 2019-11-14. Review status: criteria provided, single submitter. Criteria: Invitae Variant Classification Sherloc (09022015). Collection method: clinical testing. Allele origin: germline.

Color Diagnostics, LLC DBA Color Health
Classification: Likely benign for Hereditary cancer-predisposing syndrome. Last evaluated: 2018-06-19. Review status: criteria provided, single submitter. Criteria: ACMG Guidelines, 2015. Collection method: clinical testing. Allele origin: germline.

Ambry Genetics
Classification: Likely benign for Hereditary cancer-predisposing syndrome. Last evaluated: 2015-07-14. Review status: criteria provided, single submitter. Criteria: Ambry Variant Classification Scheme 2023. Collection method: clinical testing. Allele origin: germline.